The following is an entry in ClinVar:

ClinVar aggregate classification (germline): Likely pathogenic (1 of 4 stars; one submission).

Conditions:
Charlevoix-Saguenay spastic ataxia (SACS). Also called: SPASTIC ATAXIA 6, AUTOSOMAL RECESSIVE; AUTOSOMAL RECESSIVE SPASTIC ATAXIA OF CHARLEVOIX-SAGUENAY; Spastic ataxia of Charlevoix-Saguenay. Identifiers: Orphanet 98, MedGen C1849140, MONDO:0010041, OMIM 270550.

Submission:

Myriad Genetics, Inc.
Classification: Likely pathogenic for Charlevoix-Saguenay spastic ataxia. Last evaluated: 2022-03-15. Review status: criteria provided, single submitter. Criteria: Myriad Women's Health Autosomal Recessive and X-Linked Classification Criteria (2021). Collection method: clinical testing. Allele origin: unknown.
Comment: NM_014363.4(SACS):c.1839_1840ins11(L614Afs*14) is expected to be pathogenic in the context of autosomal recessive spastic ataxia of Charlevoix-Saguenay. This variant is predicted to lead to an abnormal or absent protein product due to the creation of a premature termination codon in SACS, a gene where loss-of-function variants are known to be pathogenic. Please note: this variant was assessed in the context of healthy population screening.

NM_014363.6(SACS):c.1839_1840insGCGTCACCTTC (p.Leu614fs)

Gene: SACS (sacsin molecular chaperone; minus strand). Cytogenetic location: 13q12.12.
Variant type: Insertion.
Coding change: c.1839_1840insGCGTCACCTTC on transcript NM_014363.6 (MANE Select); coding-DNA positions 1839 to 1840, GCGTCACCTTC inserted.
Protein change: p.Leu614fs; shifts the reading frame from leucine 614.
Molecular consequence: frameshift variant.
Genome position: GRCh38 VCF-style: chr13-23354772-G-GGAAGGTGACGC. GRCh37 (hg19) VCF-style: chr13-23928911-G-GGAAGGTGACGC.
Other names: c.1398_1399insGCGTCACCTTC, p.Leu467fs (NM_001278055.2); short protein forms L467fs, L614fs.
Identifiers: ClinVar variation 1725307 (VCV001725307.2), dbSNP rs2542392671, ClinGen allele CA2580086853.